The following is an entry in ClinVar:

NC_000005.9:g.(?_149245713)_(149263119_?)del

Gene: PDE6A (phosphodiesterase 6A; minus strand). Cytogenetic location: 5q32.
Variant type: Deletion.
Identifiers: ClinVar variation 2423092 (VCV002423092.4).

ClinVar aggregate classification (germline): Pathogenic (1 of 4 stars; one submission).

Submission:

Labcorp Genetics (formerly Invitae), Labcorp
Classification: Pathogenic. Last evaluated: 2022-11-22. Review status: criteria provided, single submitter. Criteria: Invitae Variant Classification Sherloc (09022015). Collection method: clinical testing. Allele origin: germline.
Comment: For these reasons, this variant has been classified as Pathogenic. This variant has not been reported in the literature in individuals affected with PDE6A-related conditions. This variant is a gross deletion of the genomic region encompassing exon(s) 17-20 of the PDE6A gene. This deletion is out-of-frame, and is expected to create a premature termination codon and result in an absent or disrupted protein product. Loss-of-function variants in PDE6A are known to be pathogenic (PMID: 7493036, 22128245, 23847139).

Literature cited by the submitters: PubMed 7493036; PubMed 22128245; PubMed 23847139.